The following is an entry in ClinVar:

ClinVar aggregate classification (germline): Uncertain significance (1 of 4 stars; one submission).

Conditions:
Aortic aneurysm, familial thoracic 7 (AAT7). Also called: AORTIC DISSECTION, FAMILIAL, WITH OR WITHOUT AORTIC ANEURYSM. Identifiers: MedGen C3151077, MONDO:0013418, OMIM 613780.

Submission:

Labcorp Genetics (formerly Invitae), Labcorp
Classification: Uncertain significance for Aortic aneurysm, familial thoracic 7. Last evaluated: 2022-08-21. Review status: criteria provided, single submitter. Criteria: Invitae Variant Classification Sherloc (09022015). Collection method: clinical testing. Allele origin: germline.
Comment: This sequence change replaces serine, which is neutral and polar, with asparagine, which is neutral and polar, at codon 737 of the MYLK protein (p.Ser737Asn). In summary, the available evidence is currently insufficient to determine the role of this variant in disease. Therefore, it has been classified as a Variant of Uncertain Significance. Advanced modeling of protein sequence and biophysical properties (such as structural, functional, and spatial information, amino acid conservation, physicochemical variation, residue mobility, and thermodynamic stability) performed at Invitae indicates that this missense variant is not expected to disrupt MYLK protein function. This variant has not been reported in the literature in individuals affected with MYLK-related conditions. This variant is not present in population databases (gnomAD no frequency).

NM_053025.4(MYLK):c.2210G>A (p.Ser737Asn)

Gene: MYLK (myosin light chain kinase; minus strand). Cytogenetic location: 3q21.1.
Variant type: single nucleotide variant.
Coding change: c.2210G>A on transcript NM_053025.4 (MANE Select); coding-DNA position 2210, G replaced by A.
Protein change: p.Ser737Asn; replaces serine 737 with asparagine.
Molecular consequence: missense variant.
Genome position (GRCh38, 1-based): chr3:123,707,934, C>T on the plus strand (G>A on the coding strand, the complement: MYLK is on the minus strand). VCF-style: chr3-123707934-C-T. GRCh37 (hg19) VCF-style: chr3-123426781-C-T.
Other names: c.1682G>A, p.Ser561Asn (NM_001321309.2); c.2003G>A, p.Ser668Asn (NM_053026.4, NM_053028.4); c.2210G>A, p.Ser737Asn (NM_053027.4); short protein forms S737N, S561N, S668N.
Identifiers: ClinVar variation 1927354 (VCV001927354.5), dbSNP rs2474289125, ClinGen allele CA354234039.